The following is an entry in ClinVar:

ClinVar aggregate classification (germline): Conflicting classifications of pathogenicity. Review status: criteria provided, conflicting classifications (1 of 4 stars). 2 submissions from 2 submitters: Uncertain significance (1); Likely benign (1). Last evaluated 2026-09-01.

Conditions:
Nemaline myopathy 2 (NEM2). Also called: Nemaline myopathy 2, autosomal recessive. Identifiers: MedGen C1850569, MONDO:0009725, OMIM 256030.

Allele frequency attached by ClinVar (database versions not stated): gnomAD exomes below 0.00001; ExAC 0.00001.
gnomAD v4.1: 1 of 1,613,794 alleles (0.000062%); highest among the groups gnomAD compares: Non-Finnish European, 0.000085%; no homozygotes.

Submissions (2):

CeGaT Center for Human Genetics Tuebingen
Classification: Uncertain significance. Last evaluated: 2026-09-01. Review status: criteria provided, single submitter. Criteria: CeGaT Center For Human Genetics Tuebingen Variant Classification Criteria Version 2. Collection method: clinical testing. Allele origin: germline. Affected: yes. Observed: 1 variant allele.
Comment: NEB: PM2, BP4

Labcorp Genetics (formerly Invitae), Labcorp
Classification: Likely benign for Nemaline myopathy 2. Last evaluated: 2023-05-14. Review status: criteria provided, single submitter. Criteria: Invitae Variant Classification Sherloc (09022015). Collection method: clinical testing. Allele origin: germline.

NM_001164508.2(NEB):c.5478A>G (p.Gln1826=)

Gene: NEB (nebulin; minus strand). Cytogenetic location: 2q23.3.
Variant type: single nucleotide variant.
Coding change: c.5478A>G on transcript NM_001164508.2 (MANE Select); coding-DNA position 5478, A replaced by G.
Protein change: p.Gln1826=; no amino-acid change (glutamine 1826 retained).
Molecular consequence: synonymous variant.
Genome position (GRCh38, 1-based): chr2:151,663,833, T>C on the plus strand (A>G on the coding strand, the complement: NEB is on the minus strand). VCF-style: chr2-151663833-T-C. GRCh37 (hg19) VCF-style: chr2-152520347-T-C.
Other names: c.5478A>G, p.Gln1826= (NM_001164507.2, NM_001271208.2, NM_004543.5).
Identifiers: ClinVar variation 1543666 (VCV001543666.9), dbSNP rs754914675, ClinGen allele CA1910352.
Genomic context (GRCh38, chr2:151,663,833, plus strand): 5'-GAAGTGCACCAGCTTGGGGTCATCTTCCAGGCTCCGGAAGCCAATGTGTTTCCCTTTGGC[T>C]TGTTCATAGGCTTTCTTGTATTTGTACTGTGGACAGAGAAGAAATTATGGTGATGAAAAT-3'
Protein context (NP_001157980.2, residues 1816-1836): SDYKYKKAYE[Gln1826=]AKGKHIGFRS